The following is an entry in ClinVar:

ClinVar aggregate classification (germline): Likely pathogenic (1 of 4 stars; one submission).

Conditions:
Dilated cardiomyopathy 1G (CMD1G). Identifiers: Orphanet 154, MedGen C1858763, MONDO:0011400, OMIM 604145.
Autosomal recessive limb-girdle muscular dystrophy type 2J (LGMDR10). Also called: Limb-girdle muscular dystrophy, type 2J; MUSCULAR DYSTROPHY, LIMB-GIRDLE, AUTOSOMAL RECESSIVE 10. Identifiers: Orphanet 140922, MedGen C1837342, MONDO:0012127, OMIM 608807.

Allele frequency attached by ClinVar (database versions not stated): TOPMed below 0.00001; gnomAD 0.00001.
gnomAD v4.1: 1 of 1,605,246 alleles (0.000062%); highest among the groups gnomAD compares: Non-Finnish European, 0.000085%; no homozygotes.

Submission:

Labcorp Genetics (formerly Invitae), Labcorp
Classification: Likely pathogenic for Dilated cardiomyopathy 1G; Autosomal recessive limb-girdle muscular dystrophy type 2J. Last evaluated: 2023-09-03. Review status: criteria provided, single submitter. Criteria: Invitae Variant Classification Sherloc (09022015). Collection method: clinical testing. Allele origin: germline.
Comment: This variant has not been reported in the literature in individuals affected with TTN-related conditions. Algorithms developed to predict the effect of sequence changes on RNA splicing suggest that this variant may disrupt the consensus splice site. In summary, the currently available evidence indicates that the variant is pathogenic, but additional data are needed to prove that conclusively. Therefore, this variant has been classified as Likely Pathogenic. This variant is located in the A band of TTN (PMID: 25589632). Truncating variants in this region are significantly overrepresented in patients affected with dilated cardiomyopathy (PMID: 25589632). Truncating variants in this region have also been reported in individuals affected with autosomal recessive centronuclear myopathy (PMID: 23975875). This variant is not present in population databases (gnomAD no frequency). This sequence change affects a donor splice site in intron 342 of the TTN gene. It is expected to disrupt RNA splicing and likely results in a truncated or disrupted TTN protein.

Literature cited by the submitters: PubMed 25589632; PubMed 23975875.

NM_001267550.2(TTN):c.95119+1G>C

Genes: TTN (titin; minus strand), TTN-AS1 (TTN antisense RNA 1; plus strand). Cytogenetic location: 2q31.2.
Variant type: single nucleotide variant.
Coding change: c.95119+1G>C on transcript NM_001267550.2 (MANE Select); the canonical splice donor site of the intron after coding-DNA position 95119, G replaced by C.
Molecular consequence: splice donor variant.
Genome position (GRCh38, 1-based): chr2:178,546,211, C>G on the plus strand (G>C on the coding strand, the complement: TTN is on the minus strand). VCF-style: chr2-178546211-C-G. GRCh37 (hg19) VCF-style: chr2-179410938-C-G.
Other names: c.67924+1G>C (NM_003319.4); c.68500+1G>C (NM_133437.4); c.68299+1G>C (NM_133432.3); c.87415+1G>C (NM_133378.4); c.90196+1G>C (NM_001256850.1).
Identifiers: ClinVar variation 2951550 (VCV002951550.3), dbSNP rs2555817, ClinGen allele CA349466235.